The following is an entry in ClinVar:

NM_030787.4(CFHR5):c.1135G>C (p.Val379Leu)

Gene: CFHR5 (complement factor H related 5; plus strand). Cytogenetic location: 1q31.3.
Variant type: single nucleotide variant.
Coding change: c.1135G>C on transcript NM_030787.4 (MANE Select); coding-DNA position 1135, G replaced by C.
Protein change: p.Val379Leu; replaces valine 379 with leucine.
Molecular consequence: missense variant.
Genome position (GRCh38, 1-based): chr1:196,998,292, G>C. VCF-style: chr1-196998292-G-C. GRCh37 (hg19) VCF-style: chr1-196967422-G-C.
Other names: short protein forms V379L.
Identifiers: ClinVar variation 68844 (VCV000068844.12), dbSNP rs111327589, ClinGen allele CA220084.

ClinVar aggregate classification (germline): Conflicting classifications of pathogenicity. Review status: criteria provided, conflicting classifications (1 of 4 stars). 6 submissions from 6 submitters: Uncertain significance (1); Benign (1); Likely benign (3). 1 of the submissions does not count toward it. Last evaluated 2026-01-31.

Conditions:
CFH-Related Dense Deposit Disease / Membranoproliferative Glomerulonephritis Type II. Identifiers: MedGen CN071292.

Allele frequency attached by ClinVar (database versions not stated): 1000 Genomes Project 30x 0.00422; TOPMed 0.00467; 1000 Genomes Project 0.00499; gnomAD 0.00395; ESP Exome Variant Server 0.00415; gnomAD exomes 0.00158; ExAC 0.00166.
gnomAD v4.1: 1,774 of 1,610,934 alleles (0.11%); highest among the groups gnomAD compares: African/African-American, 1.5%; 25 homozygotes.

Submissions (6):

Labcorp Genetics (formerly Invitae), Labcorp
Classification: Benign. Last evaluated: 2026-01-31. Review status: criteria provided, single submitter. Criteria: Invitae Variant Classification Sherloc (09022015). Collection method: clinical testing. Allele origin: germline.

Women's Health and Genetics/Laboratory Corporation of America, LabCorp
Classification: Likely benign. Last evaluated: 2026-01-22. Review status: criteria provided, single submitter. Criteria: LabCorp Variant Classification Summary - May 2015. Collection method: clinical testing. Allele origin: germline.

Mayo Clinic Laboratories, Mayo Clinic
Classification: Likely benign. Last evaluated: 2024-12-13. Review status: criteria provided, single submitter. Criteria: ACMG Guidelines, 2015. Collection method: clinical testing. Allele origin: germline. Observed: 32 variant alleles.
Comment: BS1, BP4_moderate

Mendelics
Classification: Uncertain significance. Last evaluated: 2022-05-04. Review status: criteria provided, single submitter. Criteria: Mendelics Assertion Criteria 2019. Collection method: clinical testing. Allele origin: germline.

Illumina Laboratory Services, Illumina
Classification: Likely benign for Membranoproliferative glomerulonephritis with complement factor h deficiency. Last evaluated: 2017-04-27. Review status: criteria provided, single submitter. Criteria: ICSL Variant Classification Criteria 13 December 2019. Collection method: clinical testing. Allele origin: germline.
Comment: This variant was observed as part of a predisposition screen in an ostensibly healthy population. A literature search was performed for the gene, cDNA change, and amino acid change (where applicable). Publications were found based on this search. The evidence from the literature, in combination with allele frequency data from public databases where available, was sufficient to determine this variant is unlikely to cause disease. Therefore, this variant is classified as likely benign.

UniProtKB/Swiss-Prot
No classification provided. Review status: no classification provided. Collection method: not provided. Allele origin: not provided. Not counted in ClinVar's aggregate classification.
Comment: found in patients with atypical hemolytic uremic syndrome

Literature cited by the submitters: PubMed 19365580 (cited by Mayo Clinic Laboratories, Mayo Clinic); PubMed 20513133 (cited by Mayo Clinic Laboratories, Mayo Clinic and Illumina Laboratory Services, Illumina); PubMed 30225434 (cited by Mayo Clinic Laboratories, Mayo Clinic).